The following is an entry in ClinVar:

ClinVar aggregate classification (germline): Uncertain significance. Review status: criteria provided, multiple submitters, no conflicts (2 of 4 stars). 3 submissions from 3 submitters: Uncertain significance (3). Last evaluated 2024-09-09.

Conditions:
Inborn genetic diseases. Identifiers: MedGen C0950123, MeSH D030342.

Allele frequency attached by ClinVar (database versions not stated): gnomAD 0.00001; gnomAD exomes 0.00001; TOPMed 0.00005.
gnomAD v4.1: 5 of 1,613,574 alleles (0.00031%); highest among the groups gnomAD compares: Admixed American, 0.0083%; no homozygotes.

Submissions (3):

Labcorp Genetics (formerly Invitae), Labcorp
Classification: Uncertain significance. Last evaluated: 2024-09-09. Review status: criteria provided, single submitter. Criteria: Invitae Variant Classification Sherloc (09022015). Collection method: clinical testing. Allele origin: germline.
Comment: This sequence change replaces isoleucine, which is neutral and non-polar, with valine, which is neutral and non-polar, at codon 1842 of the USH2A protein (p.Ile1842Val). This variant is not present in population databases (gnomAD no frequency). This variant has not been reported in the literature in individuals affected with USH2A-related conditions. ClinVar contains an entry for this variant (Variation ID: 2185043). Invitae Evidence Modeling of protein sequence and biophysical properties (such as structural, functional, and spatial information, amino acid conservation, physicochemical variation, residue mobility, and thermodynamic stability) indicates that this missense variant is not expected to disrupt USH2A protein function with a negative predictive value of 95%. In summary, the available evidence is currently insufficient to determine the role of this variant in disease. Therefore, it has been classified as a Variant of Uncertain Significance.

Ambry Genetics
Classification: Uncertain significance for Inborn genetic diseases. Last evaluated: 2023-12-16. Review status: criteria provided, single submitter. Criteria: Ambry Variant Classification Scheme 2023. Collection method: clinical testing. Allele origin: germline.

Blueprint Genetics
Classification: Uncertain significance. Last evaluated: 2020-10-08. Review status: criteria provided, single submitter. Criteria: ACMG Guidelines, 2015. Collection method: clinical testing. Allele origin: germline.

NM_206933.4(USH2A):c.5524A>G (p.Ile1842Val)

Genes: USH2A (usherin; minus strand), USH2A-AS2 (USH2A antisense RNA 2; plus strand). Cytogenetic location: 1q41.
Variant type: single nucleotide variant.
Coding change: c.5524A>G on transcript NM_206933.4 (MANE Select); coding-DNA position 5524, A replaced by G.
Protein change: p.Ile1842Val; replaces isoleucine 1842 with valine.
Molecular consequence: missense variant.
Genome position (GRCh38, 1-based): chr1:216,078,137, T>C on the plus strand (A>G on the coding strand, the complement: USH2A is on the minus strand). VCF-style: chr1-216078137-T-C. GRCh37 (hg19) VCF-style: chr1-216251479-T-C.
Other names: c.5524A>G (NM_206933.2); short protein forms I1842V.
Identifiers: ClinVar variation 2185043 (VCV002185043.4), dbSNP rs2031814598, ClinGen allele CA344855798.